The following is an entry in ClinVar:

NM_001267550.2(TTN):c.1939-9A>G

Gene: TTN (titin; minus strand). Cytogenetic location: 2q31.2.
Variant type: single nucleotide variant.
Coding change: c.1939-9A>G on transcript NM_001267550.2 (MANE Select); 9 bases into the intron before coding-DNA position 1939, A replaced by G.
Molecular consequence: intron variant.
Genome position (GRCh38, 1-based): chr2:178,789,506, T>C on the plus strand (A>G on the coding strand, the complement: TTN is on the minus strand). VCF-style: chr2-178789506-T-C. GRCh37 (hg19) VCF-style: chr2-179654233-T-C.
Other names: c.1801-9A>G (NM_003319.4, NM_133437.4, NM_133432.3); c.1939-9A>G (NM_133378.4, NM_001256850.1, NM_133379.5).
Identifiers: ClinVar variation 1582634 (VCV001582634.9), dbSNP rs2154353377, ClinGen allele CA2573134019.

ClinVar aggregate classification (germline): Likely benign. Review status: criteria provided, multiple submitters, no conflicts (2 of 4 stars). 2 submissions from 2 submitters: Likely benign (2). Last evaluated 2025-11-21.

Conditions:
Dilated cardiomyopathy 1G (CMD1G). Identifiers: Orphanet 154, MedGen C1858763, MONDO:0011400, OMIM 604145.
Autosomal recessive limb-girdle muscular dystrophy type 2J (LGMDR10). Also called: Limb-girdle muscular dystrophy, type 2J; MUSCULAR DYSTROPHY, LIMB-GIRDLE, AUTOSOMAL RECESSIVE 10. Identifiers: Orphanet 140922, MedGen C1837342, MONDO:0012127, OMIM 608807.
TTN-related disorder. Also called: TTN-related disorders; TTN-related condition; TTN-related disease.

gnomAD v4.1: 2 of 1,613,036 alleles (0.00012%); highest among the groups gnomAD compares: Non-Finnish European, 0.00017%; no homozygotes.

Submissions (2):

Labcorp Genetics (formerly Invitae), Labcorp
Classification: Likely benign for Dilated cardiomyopathy 1G; Autosomal recessive limb-girdle muscular dystrophy type 2J. Last evaluated: 2025-11-21. Review status: criteria provided, single submitter. Criteria: Invitae Variant Classification Sherloc (09022015). Collection method: clinical testing. Allele origin: germline.

PreventionGenetics, part of Exact Sciences
Classification: Likely benign for TTN-related condition. Last evaluated: 2025-08-19. Review status: criteria provided, single submitter. Criteria: ACMG Guidelines, 2015. Collection method: clinical testing. Allele origin: germline.
Comment: This variant is classified as likely benign based on ACMG/AMP sequence variant interpretation guidelines (Richards et al. 2015 PMID: 25741868, with internal and published modifications).